The following is an entry in ClinVar:

ClinVar aggregate classification (germline): Uncertain significance (1 of 4 stars; one submission).

Conditions:
SEMA3E-related disorder. Also called: SEMA3E-related condition.

Submission:

PreventionGenetics, part of Exact Sciences
Classification: Uncertain significance for SEMA3E-related condition. Last evaluated: 2026-01-05. Review status: criteria provided, single submitter. Criteria: ACMG Guidelines, 2015. Collection method: clinical testing. Allele origin: germline.
Comment: The SEMA3E c.2306C>A variant is predicted to result in the amino acid substitution p.Pro769His. To our knowledge, this variant has not been reported in the literature or in a large population database (gnomAD), indicating this variant is rare. At this time, the clinical significance of this variant is uncertain due to the absence of conclusive functional and genetic evidence.

NM_012431.3(SEMA3E):c.2306C>A (p.Pro769His)

Gene: SEMA3E (semaphorin 3E; minus strand). Cytogenetic location: 7q21.11.
Variant type: single nucleotide variant.
Coding change: c.2306C>A on transcript NM_012431.3 (MANE Select); coding-DNA position 2306, C replaced by A.
Protein change: p.Pro769His; replaces proline 769 with histidine.
Molecular consequence: missense variant.
Genome position (GRCh38, 1-based): chr7:83,367,608, G>T on the plus strand (C>A on the coding strand, the complement: SEMA3E is on the minus strand). VCF-style: chr7-83367608-G-T. GRCh37 (hg19) VCF-style: chr7-82996924-G-T.
Other names: c.2126C>A, p.Pro709His (NM_001178129.2); short protein forms P709H, P769H.
Identifiers: ClinVar variation 4987656 (VCV004987656.1).
Genomic context (GRCh38, chr7:83,367,608, plus strand): 5'-TATAAATTCTTCAAAAGACAGTAGATAGTCTCACCCCATCAGGAGTCCAGCGTGTGCCTG[G>T]GCAGGCGGTAATGCTCAGGTTTGGAACGGAGCTTCTTTTCCTGAGGGTTGGCATACTTCC-3'
Protein context (NP_036563.1, residues 759-775): LRSKPEHYRL[Pro769His]RHTLDS